The following is an entry in ClinVar:

NC_000016.9:g.(81367334_81379355)_(81401689_81410823)del

Gene: GAN (gigaxonin; plus strand). Cytogenetic location: 16q23.2.
Variant type: Deletion.
Identifiers: ClinVar variation 590797 (VCV000590797.3).

ClinVar aggregate classification (germline): Likely pathogenic (0 of 4 stars; one submission).

Conditions:
Giant axonal neuropathy 1 (GAN1). Also called: GIANT AXONAL NEUROPATHY 1, AUTOSOMAL RECESSIVE; GAN-Related Neurodegeneration. Identifiers: Orphanet 643, MedGen C1850386, MONDO:0009749, OMIM 256850.

Submission:

Service de genetique medicale, Pr. Levy, Hopital de La Timone Enfants, APHM
Classification: Likely pathogenic for Giant axonal neuropathy 1. Last evaluated: 2018-11-07. Review status: no assertion criteria provided. Collection method: clinical testing. Allele origin: paternal. Inheritance: Autosomal recessive inheritance. Affected: yes. Observed: 1 compound heterozygote.
Comment: These variants (one CNV and one SNV) have been found with an arrayCGH and a targeted sequencing panel focusing on a reported gene associated with neuropathy. The CNV has been confirmed by quantitative PCR analysis. No functional test has been performed. These variants are not currently reported in any public databases.